The following is an entry in ClinVar:

NM_000169.3(GLA):c.725T>C (p.Ile242Thr)

Genes: GLA (galactosidase alpha; minus strand), RPL36A-HNRNPH2 (RPL36A-HNRNPH2 readthrough; plus strand). Cytogenetic location: Xq22.1.
Variant type: single nucleotide variant.
Coding change: c.725T>C on transcript NM_000169.3 (MANE Select); coding-DNA position 725, T replaced by C.
Protein change: p.Ile242Thr; replaces isoleucine 242 with threonine.
Molecular consequence: missense variant. On other transcripts: non-coding transcript variant (3), intron variant (2).
Genome position (GRCh38, 1-based): chrX:101,398,861, A>G on the plus strand (T>C on the coding strand, the complement: GLA is on the minus strand). VCF-style: chrX-101398861-A-G. GRCh37 (hg19) VCF-style: chrX-100653849-A-G.
Other names: c.848T>C, p.Ile283Thr (NM_001406747.1); c.725T>C, p.Ile242Thr (NM_001406748.1); c.300+3404A>G (NM_001199973.2); c.177+7039A>G (NM_001199974.2); short protein forms I242T, I283T.
Identifiers: ClinVar variation 4087483 (VCV004087483.2).

ClinVar aggregate classification (germline): Uncertain significance (1 of 4 stars; one submission).

Conditions:
Fabry disease. Also called: ALPHA-GALACTOSIDASE A DEFICIENCY; ANDERSON-FABRY DISEASE; CERAMIDE TRIHEXOSIDASE DEFICIENCY; GLA DEFICIENCY; HEREDITARY DYSTOPIC LIPIDOSIS; Angiokeratoma corporis diffusum. Identifiers: Orphanet 324, MedGen C0002986, MONDO:0010526, OMIM 301500, HP:0001071. Disease mechanism: Fabry disease is due to inactivating mutations in the X-linked GLA gene resulting in deficiency of the enzyme Alpha Galactosidase-A., loss of function.

gnomAD v4.1: 1 of 1,205,393 alleles (0.000083%); no homozygotes.

Submission:

Genomenon, Inc
Classification: Uncertain significance for Fabry disease. Last evaluated: 2026-09-08. Review status: criteria provided, single submitter. Criteria: Genomenon Sequence Variant Interpretation Standards - Updated. Collection method: curation. Allele origin: germline. Affected: yes.
Comment: GLA p.Ile242Thr (c.725T>C) is a missense variant that changes the amino acid at codon 242 from Isoleucine to Threonine. This variant has been observed in at least one proband with clinical features consistent with Fabry disease (PMID:32843101). Functional or patient cell studies have been reported (PMID:27896103;31956509;32843101). The presence of pathogenic/likely pathogenic missense variant(s) at the same amino acid position indicates that this residue is likely important for protein function. It is absent or not present at a significant frequency in gnomAD. In conclusion, we classify GLA p.Ile242Thr (c.725T>C) as a variant of uncertain significance.

Literature cited by the submitters: PubMed 32843101; PubMed 27896103; PubMed 31956509.